The following is an entry in ClinVar:

ClinVar aggregate classification (germline): Uncertain significance (1 of 4 stars; one submission).

Conditions:
Hereditary cancer-predisposing syndrome. Also called: Neoplastic Syndromes, Hereditary; Tumor predisposition; Hereditary neoplastic syndrome; Hereditary Cancer Syndrome. Identifiers: Orphanet 140162, MedGen C0027672, MeSH D009386, MONDO:0015356.

Submission:

Ambry Genetics
Classification: Uncertain significance for Hereditary cancer-predisposing syndrome. Last evaluated: 2026-07-06. Review status: criteria provided, single submitter. Criteria: Ambry Variant Classification Scheme 2023. Collection method: clinical testing. Allele origin: germline.
Comment: The p.G21A variant (also known as c.62G>C), located in coding exon 2 of the NBN gene, results from a G to C substitution at nucleotide position 62. The glycine at codon 21 is replaced by alanine, an amino acid with similar properties. This amino acid position is conserved. In addition, this alteration is predicted to be tolerated by in silico analysis. Based on the available evidence, the clinical significance of this variant remains unclear.

NM_002485.5(NBN):c.62G>C (p.Gly21Ala)

Gene: NBN (nibrin; minus strand). Cytogenetic location: 8q21.3.
Variant type: single nucleotide variant.
Coding change: c.62G>C on transcript NM_002485.5 (MANE Select); coding-DNA position 62, G replaced by C.
Protein change: p.Gly21Ala; replaces glycine 21 with alanine.
Molecular consequence: missense variant. On other transcripts: 5 prime UTR variant (3).
Genome position (GRCh38, 1-based): chr8:89,982,831, C>G on the plus strand (G>C on the coding strand, the complement: NBN is on the minus strand). VCF-style: chr8-89982831-C-G. GRCh37 (hg19) VCF-style: chr8-90995059-C-G.
Other names: c.-235G>C (NM_001024688.3, NM_001440380.1); c.-185G>C (NM_001440379.1); short protein forms G21A.
Identifiers: ClinVar variation 5025376 (VCV005025376.1).